The following is an entry in ClinVar:

ClinVar aggregate classification (germline): Uncertain significance (1 of 4 stars; one submission).

Conditions:
Mucopolysaccharidosis, MPS-IV-A (MPS4A). Also called: Mucopolysaccharidosis type IV A; Mucopolysaccharidosis Type IVA; Morquio syndrome A, mild; MORQUIO SYNDROME A; MPS IVA; mucopolysaccharidosis type 4A. Identifiers: Orphanet 309297, Orphanet 582, MedGen C0086651, MONDO:0009659, OMIM 253000.

Allele frequency attached by ClinVar (database versions not stated): TOPMed below 0.00001.
gnomAD v4.1: 1 of 1,612,436 alleles (0.000062%); highest among the groups gnomAD compares: Admixed American, 0.0017%; no homozygotes.

Submission:

Laboratory of Diagnosis and Therapy of Lysosomal Disorders, University of Padova
Classification: Uncertain significance for Mucopolysaccharidosis, MPS-IV-A. Last evaluated: 2021-02-01. Review status: criteria provided, single submitter. Criteria: ACMG Guidelines, 2015. Collection method: research. Allele origin: germline. Affected: yes.
Comment: Absent from gnomAD v2.1.1 (PM2_moderate); multiple lines of computational evidence support a deleterious effect on the gene (PP3_supporting)

Literature cited by the submitters: PubMed 34387910.

NM_000512.5(GALNS):c.319G>C (p.Ala107Pro)

Gene: GALNS (galactosamine (N-acetyl)-6-sulfatase; minus strand). Cytogenetic location: 16q24.3.
Variant type: single nucleotide variant.
Coding change: c.319G>C on transcript NM_000512.5 (MANE Select); coding-DNA position 319, G replaced by C.
Protein change: p.Ala107Pro; replaces alanine 107 with proline.
Molecular consequence: missense variant. On other transcripts: 5 prime UTR variant (1).
Genome position (GRCh38, 1-based): chr16:88,841,897, C>G on the plus strand (G>C on the coding strand, the complement: GALNS is on the minus strand). VCF-style: chr16-88841897-C-G. GRCh37 (hg19) VCF-style: chr16-88908305-C-G.
Other names: c.-237G>C (NM_001323543.2); c.337G>C, p.Ala113Pro (NM_001323544.2); short protein forms A107P, A113P.
Identifiers: ClinVar variation 1048187 (VCV001048187.3), dbSNP rs763184657, ClinGen allele CA397088865.